The following is an entry in ClinVar:

ClinVar aggregate classification (germline): Conflicting classifications of pathogenicity. Review status: criteria provided, conflicting classifications (1 of 4 stars). 2 submissions from 2 submitters: Uncertain significance (1); Likely benign (1). Last evaluated 2026-04-28.

Allele frequency attached by ClinVar (database versions not stated): ExAC 0.00003; ESP Exome Variant Server 0.00008.
gnomAD v4.1: 17 of 1,612,500 alleles (0.0011%); highest among the groups gnomAD compares: African/African-American, 0.02%; no homozygotes.

Submissions (2):

Ambry Genetics
Classification: Likely benign. Last evaluated: 2026-04-28. Review status: criteria provided, single submitter. Criteria: Ambry Variant Classification Scheme 2023. Collection method: clinical testing. Allele origin: germline.

Labcorp Genetics (formerly Invitae), Labcorp
Classification: Uncertain significance. Last evaluated: 2023-09-03. Review status: criteria provided, single submitter. Criteria: Invitae Variant Classification Sherloc (09022015). Collection method: clinical testing. Allele origin: germline.
Comment: This sequence change replaces methionine, which is neutral and non-polar, with isoleucine, which is neutral and non-polar, at codon 417 of the CTU2 protein (p.Met417Ile). This variant is present in population databases (rs374287518, gnomAD 0.03%). This variant has not been reported in the literature in individuals affected with CTU2-related conditions. ClinVar contains an entry for this variant (Variation ID: 2325961). Advanced modeling of protein sequence and biophysical properties (such as structural, functional, and spatial information, amino acid conservation, physicochemical variation, residue mobility, and thermodynamic stability) performed at Invitae indicates that this missense variant is not expected to disrupt CTU2 protein function. In summary, the available evidence is currently insufficient to determine the role of this variant in disease. Therefore, it has been classified as a Variant of Uncertain Significance.

NM_001012759.3(CTU2):c.1251G>A (p.Met417Ile)

Gene: CTU2 (cytosolic thiouridylase subunit 2; plus strand). Cytogenetic location: 16q24.3.
Variant type: single nucleotide variant.
Coding change: c.1251G>A on transcript NM_001012759.3 (MANE Select); coding-DNA position 1251, G replaced by A.
Protein change: p.Met417Ile; replaces methionine 417 with isoleucine.
Molecular consequence: missense variant.
Genome position (GRCh38, 1-based): chr16:88,714,636, G>A. VCF-style: chr16-88714636-G-A. GRCh37 (hg19) VCF-style: chr16-88781044-G-A.
Other names: c.1251G>A, p.Met417Ile (NM_001012762.3); c.1464G>A, p.Met488Ile (NM_001318507.2); c.990G>A, p.Met330Ile (NM_001318513.2); short protein forms M330I, M417I, M488I.
Identifiers: ClinVar variation 2325961 (VCV002325961.6), dbSNP rs374287518, ClinGen allele CA8230973.